The following is an entry in ClinVar:

NM_003482.4(KMT2D):c.13034A>G (p.Lys4345Arg)

Gene: KMT2D (lysine methyltransferase 2D; minus strand). Cytogenetic location: 12q13.12.
Variant type: single nucleotide variant.
Coding change: c.13034A>G on transcript NM_003482.4 (MANE Select); coding-DNA position 13034, A replaced by G.
Protein change: p.Lys4345Arg; replaces lysine 4345 with arginine.
Molecular consequence: missense variant.
Genome position (GRCh38, 1-based): chr12:49,031,671, T>C on the plus strand (A>G on the coding strand, the complement: KMT2D is on the minus strand). VCF-style: chr12-49031671-T-C. GRCh37 (hg19) VCF-style: chr12-49425454-T-C.
Other names: c.13034A>G (NM_003482.3); short protein forms K4345R.
Identifiers: ClinVar variation 1369338 (VCV001369338.10), dbSNP rs777630263, ClinGen allele CA236638853.
Genomic context (GRCh38, chr12:49,031,671, plus strand): 5'-AGCTGGGCAGCAGCAGGTGAGACCCTCCCAGGAGGCGGCTCCAAGGTTGGCCCCTGAGGT[T>C]TGGGGGTCCCTGGATGGGTGGGAGGGAGCTGGGCCTCAGTGGGAAGCTGGGAGCTGGGGG-3'
Protein context (NP_003473.3, residues 4335-4355): QLPPTHPGTP[Lys4345Arg]PQGPTLEPPP

ClinVar aggregate classification (germline): Conflicting classifications of pathogenicity. Review status: criteria provided, conflicting classifications (1 of 4 stars). 3 submissions from 3 submitters: Uncertain significance (2); Benign (1). Last evaluated 2024-12-27.

Conditions:
Kabuki syndrome. Also called: Kabuki make-up syndrome; NIIKAWA-KUROKI SYNDROME. Identifiers: Orphanet 2322, MedGen C0796004, MONDO:0016512.
Kabuki syndrome 1 (KABUK1). Also called: KMT2D-Related Kabuki Syndrome. Identifiers: Orphanet 2322, MedGen CN030661, MONDO:0007843, OMIM 147920.
Choanal atresia-athelia-hypothyroidism-delayed puberty-short stature syndrome (BCAHH). Also called: BRANCHIAL ARCH ABNORMALITIES, CHOANAL ATRESIA, ATHELIA, HEARING LOSS, AND HYPOTHYROIDISM SYNDROME. Identifiers: Orphanet 589856, MedGen C5680310, MONDO:0035651, OMIM 620186.
KMT2D-related disorder. Also called: KMT2D-Related Disorders.

Allele frequency attached by ClinVar (database versions not stated): gnomAD exomes 0.00001 and 0.00002; TOPMed 0.00001; gnomAD 0.00002.
gnomAD v4.1: 30 of 1,610,316 alleles (0.0019%); highest among the groups gnomAD compares: African/African-American, 0.0027%; no homozygotes.

Submissions (3):

PreventionGenetics, part of Exact Sciences
Classification: Uncertain significance for KMT2D-related condition. Last evaluated: 2024-12-27. Review status: criteria provided, single submitter. Criteria: ACMG Guidelines, 2015. Collection method: clinical testing. Allele origin: germline.
Comment: The KMT2D c.13034A>G variant is predicted to result in the amino acid substitution p.Lys4345Arg. To our knowledge, this variant has not been reported in the literature. This variant is reported in 0.0018% of alleles in individuals of European (Non-Finnish) descent in gnomAD. At this time, the clinical significance of this variant is uncertain due to the absence of conclusive functional and genetic evidence.

Labcorp Genetics (formerly Invitae), Labcorp
Classification: Benign for Kabuki syndrome. Last evaluated: 2024-06-14. Review status: criteria provided, single submitter. Criteria: Invitae Variant Classification Sherloc (09022015). Collection method: clinical testing. Allele origin: germline.

Fulgent Genetics
Classification: Uncertain significance for Kabuki syndrome 1; Choanal atresia-athelia-hypothyroidism-delayed puberty-short stature syndrome. Last evaluated: 2024-06-12. Review status: criteria provided, single submitter. Criteria: ACMG Guidelines, 2015. Collection method: clinical testing. Allele origin: germline.